The following is an entry in ClinVar:

NM_177550.5(SLC13A5):c.1686T>C (p.Asn562=)

Gene: SLC13A5 (solute carrier family 13 member 5; minus strand). Cytogenetic location: 17p13.1.
Variant type: single nucleotide variant.
Coding change: c.1686T>C on transcript NM_177550.5 (MANE Select); coding-DNA position 1686, T replaced by C.
Protein change: p.Asn562=; no amino-acid change (asparagine 562 retained).
Molecular consequence: synonymous variant.
Genome position (GRCh38, 1-based): chr17:6,686,228, A>G on the plus strand (T>C on the coding strand, the complement: SLC13A5 is on the minus strand). VCF-style: chr17-6686228-A-G. GRCh37 (hg19) VCF-style: chr17-6589547-A-G.
Other names: c.1548T>C, p.Asn516= (NM_001143838.3); c.1635T>C, p.Asn545= (NM_001284509.2); c.1557T>C, p.Asn519= (NM_001284510.2).
Identifiers: ClinVar variation 2647314 (VCV002647314.24), dbSNP rs2544602804, ClinGen allele CA497595556.

ClinVar aggregate classification (germline): Likely benign (1 of 4 stars; one submission).

Submission:

CeGaT Center for Human Genetics Tuebingen
Classification: Likely benign. Last evaluated: 2022-06-01. Review status: criteria provided, single submitter. Criteria: CeGaT Center For Human Genetics Tuebingen Variant Classification Criteria Version 2. Collection method: clinical testing. Allele origin: germline. Affected: yes. Observed: 1 variant allele.
Comment: SLC13A5: PM2:Supporting, BP4, BP7